The following is an entry in ClinVar:

NM_001142800.2(EYS):c.3548A>G (p.Tyr1183Cys)

Gene: EYS (EGF-like photoreceptor maintenance factor; minus strand). Cytogenetic location: 6q12.
Variant type: single nucleotide variant.
Coding change: c.3548A>G on transcript NM_001142800.2 (MANE Select); coding-DNA position 3548, A replaced by G.
Protein change: p.Tyr1183Cys; replaces tyrosine 1183 with cysteine.
Molecular consequence: missense variant.
Genome position (GRCh38, 1-based): chr6:64,626,141, T>C on the plus strand (A>G on the coding strand, the complement: EYS is on the minus strand). VCF-style: chr6-64626141-T-C. GRCh37 (hg19) VCF-style: chr6-65336034-T-C.
Other names: c.3548A>G, p.Tyr1183Cys (NM_001292009.2); short protein forms Y1183C.
Identifiers: ClinVar variation 1389919 (VCV001389919.6), dbSNP rs2149856760, ClinGen allele CA364785299.

ClinVar aggregate classification (germline): Uncertain significance (1 of 4 stars; one submission).

gnomAD v4.1: 1 of 1,544,442 alleles (0.000065%); highest among the groups gnomAD compares: Non-Finnish European, 0.000087%; no homozygotes.

Submission:

Labcorp Genetics (formerly Invitae), Labcorp
Classification: Uncertain significance. Last evaluated: 2023-08-30. Review status: criteria provided, single submitter. Criteria: Invitae Variant Classification Sherloc (09022015). Collection method: clinical testing. Allele origin: germline.
Comment: This sequence change replaces tyrosine, which is neutral and polar, with cysteine, which is neutral and slightly polar, at codon 1183 of the EYS protein (p.Tyr1183Cys). This variant is not present in population databases (gnomAD no frequency). This variant has not been reported in the literature in individuals affected with EYS-related conditions. ClinVar contains an entry for this variant (Variation ID: 1389919). Algorithms developed to predict the effect of missense changes on protein structure and function output the following: SIFT: "Not Available"; PolyPhen-2: "Probably Damaging"; Align-GVGD: "Not Available". The cysteine amino acid residue is found in multiple mammalian species, which suggests that this missense change does not adversely affect protein function. In summary, the available evidence is currently insufficient to determine the role of this variant in disease. Therefore, it has been classified as a Variant of Uncertain Significance.